The following is an entry in ClinVar:

ClinVar aggregate classification (germline): Uncertain significance (1 of 4 stars; one submission).

Conditions:
Long QT syndrome (LQTS). Identifiers: MedGen C0023976, MeSH D008133, MONDO:0002442. Disease mechanism: loss of function. Inheritance: Various modes of inheritance.

Submission:

Labcorp Genetics (formerly Invitae), Labcorp
Classification: Uncertain significance for Long QT syndrome. Last evaluated: 2023-10-04. Review status: criteria provided, single submitter. Criteria: Invitae Variant Classification Sherloc (09022015). Collection method: clinical testing. Allele origin: germline.
Comment: This sequence change replaces proline, which is neutral and non-polar, with alanine, which is neutral and non-polar, at codon 672 of the KCNQ1 protein (p.Pro672Ala). This variant is not present in population databases (gnomAD no frequency). This variant has not been reported in the literature in individuals affected with KCNQ1-related conditions. Algorithms developed to predict the effect of missense changes on protein structure and function output the following: SIFT: "Not Available"; PolyPhen-2: "Benign"; Align-GVGD: "Not Available". The alanine amino acid residue is found in multiple mammalian species, which suggests that this missense change does not adversely affect protein function. In summary, the available evidence is currently insufficient to determine the role of this variant in disease. Therefore, it has been classified as a Variant of Uncertain Significance.

NM_000218.3(KCNQ1):c.2014C>G (p.Pro672Ala)

Genes: KCNQ1 (potassium voltage-gated channel subfamily Q member 1; plus strand), KCNQ1-AS1 (KCNQ1 antisense RNA 1; minus strand). Cytogenetic location: 11p15.4.
Variant type: single nucleotide variant.
Coding change: c.2014C>G on transcript NM_000218.3 (MANE Select); coding-DNA position 2014, C replaced by G.
Protein change: p.Pro672Ala; replaces proline 672 with alanine.
Molecular consequence: missense variant.
Genome position (GRCh38, 1-based): chr11:2,847,986, C>G. VCF-style: chr11-2847986-C-G. GRCh37 (hg19) VCF-style: chr11-2869216-C-G.
Other names: c.1918C>G, p.Pro640Ala (NM_001406836.1); c.1744C>G, p.Pro582Ala (NM_001406837.1); c.1474C>G, p.Pro492Ala (NM_001406838.1); c.526C>G, p.Pro176Ala (NM_001406839.1); c.1633C>G, p.Pro545Ala (NM_181798.2); short protein forms P545A, P492A, P672A, P582A, P176A, P640A.
Identifiers: ClinVar variation 2791254 (VCV002791254.3), dbSNP rs1451541813, ClinGen allele CA379140622.
Genomic context (GRCh38, chr11:2,847,986, plus strand): 5'-CTCTTCCTGCCCAGCAACACCCTGCCCACCTACGAGCAGCTGACCGTGCCCAGGAGGGGC[C>G]CCGATGAGGGGTCCTGAGGAGGGGATGGGGCTGGGGGATGGGCCTGAGTGAGAGGGGAGG-3'
Protein context (NP_000209.2, residues 662-676): YEQLTVPRRG[Pro672Ala]DEGS